The following is an entry in ClinVar:

ClinVar aggregate classification (germline): Uncertain significance. Review status: criteria provided, multiple submitters, no conflicts (2 of 4 stars). 2 submissions from 2 submitters: Uncertain significance (2). Last evaluated 2022-07-06.

Conditions:
Fanconi anemia complementation group P. Also called: SLX4-Related Fanconi Anemia. Identifiers: Orphanet 84, MedGen C3469542, MONDO:0013499, OMIM 613951.
Fanconi anemia (FA). Also called: Fanconi's anemia. Identifiers: Orphanet 84, MedGen C0015625, MeSH D005199, MONDO:0019391.

Submissions (2):

Labcorp Genetics (formerly Invitae), Labcorp
Classification: Uncertain significance for Fanconi anemia. Last evaluated: 2022-07-06. Review status: criteria provided, single submitter. Criteria: Invitae Variant Classification Sherloc (09022015). Collection method: clinical testing. Allele origin: germline.
Comment: This sequence change replaces proline, which is neutral and non-polar, with glutamine, which is neutral and polar, at codon 337 of the SLX4 protein (p.Pro337Gln). This variant is not present in population databases (gnomAD no frequency). This variant has not been reported in the literature in individuals affected with SLX4-related conditions. ClinVar contains an entry for this variant (Variation ID: 1463805). Algorithms developed to predict the effect of missense changes on protein structure and function are either unavailable or do not agree on the potential impact of this missense change (SIFT: "Deleterious"; PolyPhen-2: "Probably Damaging"; Align-GVGD: "Class C0"). In summary, the available evidence is currently insufficient to determine the role of this variant in disease. Therefore, it has been classified as a Variant of Uncertain Significance.

Fulgent Genetics
Classification: Uncertain significance for Fanconi anemia complementation group P. Last evaluated: 2021-12-05. Review status: criteria provided, single submitter. Criteria: ACMG Guidelines, 2015. Collection method: clinical testing. Allele origin: unknown.

NM_032444.4(SLX4):c.1010C>A (p.Pro337Gln)

Gene: SLX4 (SLX4 structure-specific endonuclease subunit; minus strand). Cytogenetic location: 16p13.3.
Variant type: single nucleotide variant.
Coding change: c.1010C>A on transcript NM_032444.4 (MANE Select); coding-DNA position 1010, C replaced by A.
Protein change: p.Pro337Gln; replaces proline 337 with glutamine.
Molecular consequence: missense variant.
Genome position (GRCh38, 1-based): chr16:3,601,132, G>T on the plus strand (C>A on the coding strand, the complement: SLX4 is on the minus strand). VCF-style: chr16-3601132-G-T. GRCh37 (hg19) VCF-style: chr16-3651133-G-T.
Other names: short protein forms P337Q.
Identifiers: ClinVar variation 1463805 (VCV001463805.7), dbSNP rs200363140, ClinGen allele CA394531866.
Genomic context (GRCh38, chr16:3,601,132, plus strand): 5'-GCACACTGCTTCAAGTGACTGGTTCTGCTCTTTAAGGTAAGAAACGGTTTCCCACAAATC[G>T]GGCACTCAGGGATCTGAGGCACAGAAGGTCTTAGTGTCTTTTCAGCTTCATCCAAGCACC-3'
Protein context (NP_115820.2, residues 327-347): RPSVPQIPEC[Pro337Gln]ICGKPFLTLK